The following is an entry in ClinVar:

NM_000264.5(PTCH1):c.854C>T (p.Ala285Val)

Gene: PTCH1 (patched 1; minus strand). Cytogenetic location: 9q22.32.
Variant type: single nucleotide variant.
Coding change: c.854C>T on transcript NM_000264.5 (MANE Select); coding-DNA position 854, C replaced by T.
Protein change: p.Ala285Val; replaces alanine 285 with valine.
Molecular consequence: missense variant. On other transcripts: non-coding transcript variant (1).
Genome position (GRCh38, 1-based): chr9:95,480,481, G>A on the plus strand (C>T on the coding strand, the complement: PTCH1 is on the minus strand). VCF-style: chr9-95480481-G-A. GRCh37 (hg19) VCF-style: chr9-98242763-G-A.
Other names: c.656C>T, p.Ala219Val (NM_001083602.3); c.851C>T, p.Ala284Val (NM_001083603.3); c.401C>T, p.Ala134Val (NM_001083607.3, NM_001083604.3, NM_001083606.3 and 1 more transcripts); c.854C>T, p.Ala285Val (NM_001354918.2); short protein forms A284V, A219V, A285V, A134V.
Identifiers: ClinVar variation 3427226 (VCV003427226.1).

ClinVar aggregate classification (germline): Uncertain significance (1 of 4 stars; one submission).

Conditions:
Hereditary cancer-predisposing syndrome. Also called: Neoplastic Syndromes, Hereditary; Tumor predisposition; Hereditary Cancer Syndrome; Hereditary neoplastic syndrome. Identifiers: Orphanet 140162, MedGen C0027672, MeSH D009386, MONDO:0015356.

gnomAD v4.1: 1 of 1,612,632 alleles (0.000062%); highest among the groups gnomAD compares: Non-Finnish European, 0.000085%; no homozygotes.

Submission:

Ambry Genetics
Classification: Uncertain significance for Hereditary cancer-predisposing syndrome. Last evaluated: 2024-08-27. Review status: criteria provided, single submitter. Criteria: Ambry Variant Classification Scheme 2023. Collection method: clinical testing. Allele origin: germline.
Comment: The p.A285V variant (also known as c.854C>T), located in coding exon 6 of the PTCH1 gene, results from a C to T substitution at nucleotide position 854. The alanine at codon 285 is replaced by valine, an amino acid with similar properties. This amino acid position is highly conserved in available vertebrate species. In addition, this alteration is predicted to be deleterious by in silico analysis. Based on the available evidence, the clinical significance of this variant remains unclear.